The following is an entry in ClinVar:

NM_001080449.3(DNA2):c.2009T>G (p.Phe670Cys)

Gene: DNA2 (DNA replication helicase/nuclease 2; minus strand). Cytogenetic location: 10q21.3.
Variant type: single nucleotide variant.
Coding change: c.2009T>G on transcript NM_001080449.3 (MANE Select); coding-DNA position 2009, T replaced by G.
Protein change: p.Phe670Cys; replaces phenylalanine 670 with cysteine.
Molecular consequence: missense variant.
Genome position (GRCh38, 1-based): chr10:68,430,635, A>C on the plus strand (T>G on the coding strand, the complement: DNA2 is on the minus strand). VCF-style: chr10-68430635-A-C. GRCh37 (hg19) VCF-style: chr10-70190392-A-C.
Other names: short protein forms F670C.
Identifiers: ClinVar variation 1718751 (VCV001718751.5), dbSNP rs2493924027, ClinGen allele CA376854844.
Genomic context (GRCh38, chr10:68,430,635, plus strand): 5'-GCTAACTTCAAAAGAATATTGTCAACAGCAGAGTGTGTATAGCTGGTCAACAAAACGCTA[A>C]AACCACAGGCGTAGAGAATTCTTACCTAATAATGGGTAAGAGAAAAAAGAAAAAACAGCC-3'
Protein context (NP_001073918.2, residues 660-680): TLVRILYACG[Phe670Cys]SVLLTSYTHS

ClinVar aggregate classification (germline): Uncertain significance (1 of 4 stars; one submission).

Submission:

Labcorp Genetics (formerly Invitae), Labcorp
Classification: Uncertain significance. Last evaluated: 2022-09-03. Review status: criteria provided, single submitter. Criteria: Invitae Variant Classification Sherloc (09022015). Collection method: clinical testing. Allele origin: germline.
Comment: In summary, the available evidence is currently insufficient to determine the role of this variant in disease. Therefore, it has been classified as a Variant of Uncertain Significance. Algorithms developed to predict the effect of missense changes on protein structure and function are either unavailable or do not agree on the potential impact of this missense change (SIFT: "Tolerated"; PolyPhen-2: "Not Available"; Align-GVGD: "Class C0"). This variant has not been reported in the literature in individuals affected with DNA2-related conditions. This variant is not present in population databases (gnomAD no frequency). This sequence change replaces phenylalanine, which is neutral and non-polar, with cysteine, which is neutral and slightly polar, at codon 670 of the DNA2 protein (p.Phe670Cys).